The following is an entry in ClinVar:

ClinVar aggregate classification (germline): Pathogenic. Review status: criteria provided, multiple submitters, no conflicts (2 of 4 stars). 2 submissions from 2 submitters: Pathogenic (2). Last evaluated 2017-06-21.

Submissions (2):

ARUP Laboratories, Molecular Genetics and Genomics, ARUP Laboratories
Classification: Pathogenic. Last evaluated: 2017-06-21. Review status: criteria provided, single submitter. Criteria: ARUP Molecular Germline Variant Investigation Process. Collection method: clinical testing. Allele origin: germline.

GeneDx
Classification: Pathogenic. Last evaluated: 2016-09-01. Review status: criteria provided, single submitter. Criteria: GeneDx Variant Classification (06012015). Collection method: clinical testing. Allele origin: germline. Affected: yes.
Comment: This variant results from the deletion of two base pairs, which leads to the replacement of a Valine residue with a premature stop codon at position 653, denoted as V653X. This variant is expected to result in either an abnormal, truncated protein product or loss of protein from this allele through nonsense-mediated mRNA decay. Multiple other downstream frameshift variants in the FBN1 gene have been reported in HGMD in association with FBN1-related disorders, including Marfan syndrome (Stenson et al., 2014). Furthermore, the c.1957_1958delGT variant was not observed in approximately 6,500 individuals of European and African American ancestry in the NHLBI Exome Sequencing Project, indicating it is not a common benign variant in these populations. In summary, c.1957_1958delGT in the FBN1 gene is interpreted as a pathogenic variant.

NM_000138.5(FBN1):c.1957_1958del (p.Cys652_Val653insTer)

Gene: FBN1 (fibrillin 1; minus strand). Cytogenetic location: 15q21.1.
Variant type: Microsatellite.
Coding change: c.1957_1958del on transcript NM_000138.5 (MANE Select); coding-DNA positions 1957 to 1958, 2 bases deleted (GT; older notation c.1957_1958delGT).
Protein change: p.Cys652_Val653insTer.
Molecular consequence: nonsense.
Genome position (GRCh38, 1-based): chr15:48,505,027-48,505,028, AC deleted on the plus strand (GT on the coding strand, the reverse complement: FBN1 is on the minus strand); deleting any 2 consecutive bases within chr15:48,505,027-48,505,036 gives the same sequence; the c. name uses the placement nearest the transcript's 3' end. VCF-style (leftmost placement, unchanged base first): chr15-48505026-AAC-A. GRCh37 (hg19) VCF-style: chr15-48797223-AAC-A.
Other names: c.1957_1958delGT (NM_000138.4).
Identifiers: ClinVar variation 280059 (VCV000280059.9), dbSNP rs886041350, ClinGen allele CA10603350.